The following is an entry in ClinVar:

NM_000127.3(EXT1):c.1064G>A (p.Cys355Tyr)

Gene: EXT1 (exostosin glycosyltransferase 1; minus strand). Cytogenetic location: 8q24.11.
Variant type: single nucleotide variant.
Coding change: c.1064G>A on transcript NM_000127.3 (MANE Select); coding-DNA position 1064, G replaced by A.
Protein change: p.Cys355Tyr; replaces cysteine 355 with tyrosine.
Molecular consequence: missense variant.
Genome position (GRCh38, 1-based): chr8:117,835,544, C>T on the plus strand (G>A on the coding strand, the complement: EXT1 is on the minus strand). VCF-style: chr8-117835544-C-T. GRCh37 (hg19) VCF-style: chr8-118847783-C-T.
Other names: short protein forms C355Y.
Identifiers: ClinVar variation 1071748 (VCV001071748.9), dbSNP rs2129786671, ClinGen allele CA371892768.
Genomic context (GRCh38, chr8:117,835,544, plus strand): 5'-TTCCAATTAATCACTTCAGAGAATGGCAACTCCCATCCATTGCTGAGCATCACAGGGACG[C>T]AGGCAGCCTGAGCAAAAAAGGGGACTTCGTGAATGTGAGGAAAGCGACAGCAGAAGCTGT-3'
Protein context (NP_000118.2, residues 345-365): FRFLEALQAA[Cys355Tyr]VPVMLSNGWE

ClinVar aggregate classification (germline): Pathogenic (1 of 4 stars; one submission).

Conditions:
Multiple congenital exostosis (EXT). Also called: Hereditary multiple exostoses; Hereditary multiple exostosis; MULTIPLE CARTILAGINOUS EXOSTOSES; Multiple exostoses; Hereditary multiple osteochondromas; Multiple osteochondromas. Identifiers: Orphanet 321, MedGen C0015306, MONDO:0005508, HP:0002762.

Submission:

Labcorp Genetics (formerly Invitae), Labcorp
Classification: Pathogenic for Multiple congenital exostosis. Last evaluated: 2020-03-23. Review status: criteria provided, single submitter. Criteria: Invitae Variant Classification Sherloc (09022015). Collection method: clinical testing. Allele origin: germline.
Comment: For these reasons, this variant has been classified as Pathogenic. This variant disrupts the p.Cys355 amino acid residue in EXT1. Other variant(s) that disrupt this residue have been determined to be pathogenic (PMID: 17301954, Invitae). This suggests that this residue is clinically significant, and that variants that disrupt this residue are likely to be disease-causing. Algorithms developed to predict the effect of missense changes on protein structure and function (SIFT, PolyPhen-2, Align-GVGD) all suggest that this variant is likely to be disruptive, but these predictions have not been confirmed by published functional studies and their clinical significance is uncertain. This variant has been observed in individual(s) with multiple osteochondromas (PMID: 26961984, Invitae). This variant is not present in population databases (ExAC no frequency). This sequence change replaces cysteine with tyrosine at codon 355 of the EXT1 protein (p.Cys355Tyr). The cysteine residue is highly conserved and there is a large physicochemical difference between cysteine and tyrosine.

Literature cited by the submitters: PubMed 17301954; PubMed 26961984.